The following is an entry in ClinVar:

ClinVar aggregate classification (germline): Uncertain significance (1 of 4 stars; one submission).

Allele frequency attached by ClinVar (database versions not stated): gnomAD exomes below 0.00001.
gnomAD v4.1: 1 of 1,614,088 alleles (0.000062%); highest among the groups gnomAD compares: Admixed American, 0.0017%; no homozygotes.

Submission:

Labcorp Genetics (formerly Invitae), Labcorp
Classification: Uncertain significance. Last evaluated: 2024-11-04. Review status: criteria provided, single submitter. Criteria: Invitae Variant Classification Sherloc (09022015). Collection method: clinical testing. Allele origin: germline.
Comment: This sequence change replaces valine, which is neutral and non-polar, with isoleucine, which is neutral and non-polar, at codon 75 of the TXN2 protein (p.Val75Ile). This variant is present in population databases (no rsID available, gnomAD 0.003%). This variant has not been reported in the literature in individuals affected with TXN2-related conditions. ClinVar contains an entry for this variant (Variation ID: 1909833). An algorithm developed to predict the effect of missense changes on protein structure and function (PolyPhen-2) suggests that this variant is likely to be tolerated. In summary, the available evidence is currently insufficient to determine the role of this variant in disease. Therefore, it has been classified as a Variant of Uncertain Significance.

NM_012473.4(TXN2):c.223G>A (p.Val75Ile)

Gene: TXN2 (thioredoxin 2; minus strand). Cytogenetic location: 22q12.3.
Variant type: single nucleotide variant.
Coding change: c.223G>A on transcript NM_012473.4 (MANE Select); coding-DNA position 223, G replaced by A.
Protein change: p.Val75Ile; replaces valine 75 with isoleucine.
Molecular consequence: missense variant.
Genome position (GRCh38, 1-based): chr22:36,480,615, C>T on the plus strand (G>A on the coding strand, the complement: TXN2 is on the minus strand). VCF-style: chr22-36480615-C-T. GRCh37 (hg19) VCF-style: chr22-36876662-C-T.
Other names: short protein forms V75I.
Identifiers: ClinVar variation 1909833 (VCV001909833.5), dbSNP rs1474419515, ClinGen allele CA411371451.